The following is an entry in ClinVar:

NM_000548.5(TSC2):c.4545_4546del (p.Asn1515fs)

Gene: TSC2 (TSC complex subunit 2; plus strand). Cytogenetic location: 16p13.3.
Variant type: Deletion.
Coding change: c.4545_4546del on transcript NM_000548.5 (MANE Select); coding-DNA positions 4545 to 4546, 2 bases deleted (CA; older notation c.4545_4546delCA).
Protein change: p.Asn1515fs; shifts the reading frame from asparagine 1515.
Molecular consequence: frameshift variant. On other transcripts: non-coding transcript variant (5).
Genome position (GRCh38, 1-based): chr16:2,085,002-2,085,003, CA deleted; deleting any 2 consecutive bases within chr16:2,085,001-2,085,003 gives the same sequence; the c. name uses the placement nearest the transcript's 3' end. VCF-style (leftmost placement, unchanged base first): chr16-2085000-AAC-A. GRCh37 (hg19) VCF-style: chr16-2135001-AAC-A.
Other names: c.4476_4477del, p.Asn1492fs (NM_001114382.3); c.4236_4237del, p.Asn1412fs (NM_001318827.2); c.4200_4201del, p.Asn1400fs (NM_001318829.2); c.3813_3814del, p.Asn1271fs (NM_001318831.2); c.4416_4417del, p.Asn1472fs (NM_001370405.1, NM_021055.3); c.4542_4543del, p.Asn1514fs (NM_001406663.1); c.4473_4474del, p.Asn1491fs (NM_001406664.1); c.4377_4378del, p.Asn1459fs (NM_001318832.2); and 27 more; short protein forms N1000fs, N1001fs, N1023fs, N1024fs, N1044fs, N1248fs, N1249fs, N1271fs.
Identifiers: ClinVar variation 3777217 (VCV003777217.1).

ClinVar aggregate classification (germline): Pathogenic (1 of 4 stars; one submission).

Conditions:
Tuberous sclerosis 2 (TSC2). Identifiers: Orphanet 805, MedGen C1860707, MONDO:0013199, OMIM 613254.

Submission:

Oasi Research Institute-IRCCS
Classification: Pathogenic for Tuberous sclerosis 2. Review status: criteria provided, single submitter. Criteria: ACMG Guidelines, 2015. Collection method: research. Allele origin: de novo. Affected: yes.
Comment: This variant creates a premature translational stop signal. It is expected to result in an protein truncation or nonsense mediated decay. Diverse tools classified the variant as pathogenic: BayesDel addAF; BayesDel noAF; EIGEN; FATHMM-XF; MutationTaster. ACMG criteria: PVS1 (LOF), PP4 (phenotype match), PM2 (absent from control), PP3 (in silico evidence), PS2 (de novo) = Pathogenic. Based on the evidence outlined above, the variant was classified as Pathogenic.